The following is an entry in ClinVar:

NM_001457.4(FLNB):c.1304A>G (p.Asp435Gly)

Gene: FLNB (filamin B; plus strand). Cytogenetic location: 3p14.3.
Variant type: single nucleotide variant.
Coding change: c.1304A>G on transcript NM_001457.4 (MANE Select); coding-DNA position 1304, A replaced by G.
Protein change: p.Asp435Gly; replaces aspartic acid 435 with glycine.
Molecular consequence: missense variant.
Genome position (GRCh38, 1-based): chr3:58,098,867, A>G. VCF-style: chr3-58098867-A-G. GRCh37 (hg19) VCF-style: chr3-58084594-A-G.
Other names: c.1304A>G, p.Asp435Gly (NM_001164317.2, NM_001164318.2, NM_001164319.2); short protein forms D435G.
Identifiers: ClinVar variation 4801685 (VCV004801685.1).
Genomic context (GRCh38, chr3:58,098,867, plus strand): 5'-GATGTGTGTACAAACCCATGCAGCCTGGCCCTCACGTGGTCAAGATCTTCTTTGCTGGGG[A>G]CACTATTCCTAAGAGTCCCTTCGTTGTGCAGGTTGGGGAAGGTGAGTGCTGGGCTGCTGG-3'
Protein context (NP_001448.2, residues 425-445): PHVVKIFFAG[Asp435Gly]TIPKSPFVVQ

ClinVar aggregate classification (germline): Uncertain significance (1 of 4 stars; one submission).

Submission:

Labcorp Genetics (formerly Invitae), Labcorp
Classification: Uncertain significance. Last evaluated: 2025-02-19. Review status: criteria provided, single submitter. Criteria: Invitae Variant Classification Sherloc (09022015). Collection method: clinical testing. Allele origin: germline.
Comment: This sequence change replaces aspartic acid, which is acidic and polar, with glycine, which is neutral and non-polar, at codon 435 of the FLNB protein (p.Asp435Gly). This variant is not present in population databases (gnomAD no frequency). This variant has not been reported in the literature in individuals affected with FLNB-related conditions. Invitae Evidence Modeling of protein sequence and biophysical properties (such as structural, functional, and spatial information, amino acid conservation, physicochemical variation, residue mobility, and thermodynamic stability) indicates that this missense variant is not expected to disrupt FLNB protein function with a negative predictive value of 95%. In summary, the available evidence is currently insufficient to determine the role of this variant in disease. Therefore, it has been classified as a Variant of Uncertain Significance.